The following is an entry in ClinVar:

ClinVar aggregate classification (germline): Likely pathogenic (1 of 4 stars; one submission).

Conditions:
Alpha-N-acetylgalactosaminidase deficiency type 1. Also called: NAGA DEFICIENCY, TYPE I; NEUROAXONAL DYSTROPHY, SCHINDLER TYPE; SCHINDLER DISEASE, TYPE I; ALPHA-N-ACETYLGALACTOSAMINIDASE DEFICIENCY, TYPE I. Identifiers: Orphanet 3137, Orphanet 79279, Orphanet 79281, MedGen C1836544, MONDO:0012221, OMIM 609241.

Submission:

Labcorp Genetics (formerly Invitae), Labcorp
Classification: Likely pathogenic for Alpha-N-acetylgalactosaminidase deficiency type 1. Last evaluated: 2023-12-09. Review status: criteria provided, single submitter. Criteria: Invitae Variant Classification Sherloc (09022015). Collection method: clinical testing. Allele origin: germline.
Comment: This variant results in the deletion of part of exon 3 (c.322_324+9del) of the NAGA gene. It is expected to disrupt RNA splicing. Variants that disrupt the donor or acceptor splice site typically lead to a loss of protein function (PMID: 16199547), and loss-of-function variants in NAGA are known to be pathogenic (PMID: 8782044, 11251574). This variant is not present in population databases (gnomAD no frequency). This variant has not been reported in the literature in individuals affected with NAGA-related conditions. In summary, the currently available evidence indicates that the variant is pathogenic, but additional data are needed to prove that conclusively. Therefore, this variant has been classified as Likely Pathogenic.

Literature cited by the submitters: PubMed 16199547; PubMed 8782044; PubMed 11251574.

NM_000262.3(NAGA):c.322_324+9del

Genes: NAGA (alpha-N-acetylgalactosaminidase; minus strand), LOC126863160 (CDK7 strongly-dependent group 2 enhancer GRCh37_chr22:42462918-42464117; plus strand). Cytogenetic location: 22q13.2.
Variant type: Deletion.
Coding change: c.322_324+9del on transcript NM_000262.3 (MANE Select); coding-DNA position 322 through 9 bases into the intron after coding-DNA position 324, 12 bases deleted (TACGTGAGCCGC).
Molecular consequence: splice donor variant.
Genome position (GRCh38, 1-based): chr22:42,067,756-42,067,767, GCGGCTCACGTA deleted on the plus strand (TACGTGAGCCGC on the coding strand, the reverse complement: NAGA is on the minus strand); deleting any 12 consecutive bases within chr22:42,067,756-42,067,768 gives the same sequence; the c. name uses the placement nearest the transcript's 3' end. VCF-style (leftmost placement, unchanged base first): chr22-42067755-TGCGGCTCACGTA-T. GRCh37 (hg19) VCF-style: chr22-42463759-TGCGGCTCACGTA-T.
Other names: c.322_324+9del (NM_001362850.1, NM_001362848.1).
Identifiers: ClinVar variation 2903154 (VCV002903154.3), dbSNP rs2519065479, ClinGen allele CA2657022624.